The following is an entry in ClinVar:

NM_001354930.2(RIPK1):c.1355C>T (p.Pro452Leu)

Gene: RIPK1 (receptor interacting serine/threonine kinase 1; plus strand). Cytogenetic location: 6p25.2.
Variant type: single nucleotide variant.
Coding change: c.1355C>T on transcript NM_001354930.2 (MANE Select); coding-DNA position 1355, C replaced by T.
Protein change: p.Pro452Leu; replaces proline 452 with leucine.
Molecular consequence: missense variant.
Genome position (GRCh38, 1-based): chr6:3,105,830, C>T. VCF-style: chr6-3105830-C-T. GRCh37 (hg19) VCF-style: chr6-3106064-C-T.
Other names: c.866C>T, p.Pro289Leu (NM_001317061.3, NM_001354932.2, NM_001354933.2 and 1 more transcripts); c.1217C>T, p.Pro406Leu (NM_001354931.2); c.1355C>T, p.Pro452Leu (NM_003804.6); short protein forms P406L, P452L, P289L.
Identifiers: ClinVar variation 4718945 (VCV004718945.1).
Genomic context (GRCh38, chr6:3,105,830, plus strand): 5'-CAGAGGGAAAAGGCACTGCTTATTCCAGTGCAGCCAGTCATGGTAATGCAGTGCACCAGC[C>T]CTCAGGGCTCACCAGCCAACCTCAAGTACTGTATCAGAACAATGGATTATATAGCTCACA-3'
Protein context (NP_001341859.1, residues 442-462): AASHGNAVHQ[Pro452Leu]SGLTSQPQVL

ClinVar aggregate classification (germline): Uncertain significance (1 of 4 stars; one submission).

gnomAD v4.1: 1 of 1,614,098 alleles (0.000062%); highest among the groups gnomAD compares: African/African-American, 0.0013%; no homozygotes.

Submission:

Labcorp Genetics (formerly Invitae), Labcorp
Classification: Uncertain significance. Last evaluated: 2025-05-04. Review status: criteria provided, single submitter. Criteria: Invitae Variant Classification Sherloc (09022015). Collection method: clinical testing. Allele origin: germline.
Comment: This sequence change replaces proline, which is neutral and non-polar, with leucine, which is neutral and non-polar, at codon 452 of the RIPK1 protein (p.Pro452Leu). This variant is not present in population databases (gnomAD no frequency). This variant has not been reported in the literature in individuals affected with RIPK1-related conditions. An algorithm developed to predict the effect of missense changes on protein structure and function outputs the following: PolyPhen-2: "Benign". The leucine amino acid residue is found in multiple mammalian species, which suggests that this missense change does not adversely affect protein function. In summary, the available evidence is currently insufficient to determine the role of this variant in disease. Therefore, it has been classified as a Variant of Uncertain Significance.